The following is an entry in ClinVar:

ClinVar aggregate classification (germline): Uncertain significance (1 of 4 stars; one submission).

Submission:

GeneDx
Classification: Uncertain significance. Last evaluated: 2025-04-08. Review status: criteria provided, single submitter. Criteria: GeneDx Variant Classification Process June 2021. Collection method: clinical testing. Allele origin: germline. Affected: yes.
Comment: Not observed at significant frequency in large population cohorts (gnomAD); Nonsense variant predicted to result in protein truncation or nonsense mediated decay in a gene or region of a gene for which loss of function is not a well-established mechanism of disease; Has not been previously published as pathogenic or benign to our knowledge

NM_018896.5(CACNA1G):c.2326G>T (p.Glu776Ter)

Gene: CACNA1G (calcium voltage-gated channel subunit alpha1 G; plus strand). Cytogenetic location: 17q21.33.
Variant type: single nucleotide variant.
Coding change: c.2326G>T on transcript NM_018896.5 (MANE Select); coding-DNA position 2326, G replaced by T.
Protein change: p.Glu776Ter; replaces glutamic acid 776 with a stop codon.
Molecular consequence: nonsense. On other transcripts: non-coding transcript variant (5).
Genome position (GRCh38, 1-based): chr17:50,590,495, G>T. VCF-style: chr17-50590495-G-T. GRCh37 (hg19) VCF-style: chr17-48667856-G-T.
Other names: c.2326G>T, p.Glu776Ter (NM_198376.3, NM_198377.3, NM_198378.3 and 24 more transcripts); short protein forms E776*.
Identifiers: ClinVar variation 4281911 (VCV004281911.1).